The following is an entry in ClinVar:

NM_002386.4(MC1R):c.246G>C (p.Leu82Phe)

Gene: MC1R (melanocortin 1 receptor; plus strand). Cytogenetic location: 16q24.3.
Variant type: single nucleotide variant.
Coding change: c.246G>C on transcript NM_002386.4 (MANE Select); coding-DNA position 246, G replaced by C.
Protein change: p.Leu82Phe; replaces leucine 82 with phenylalanine.
Molecular consequence: missense variant.
Genome position (GRCh38, 1-based): chr16:89,919,504, G>C. VCF-style: chr16-89919504-G-C. GRCh37 (hg19) VCF-style: chr16-89985912-G-C.
Other names: short protein forms L82F.
Identifiers: ClinVar variation 3871067 (VCV003871067.1).

ClinVar aggregate classification (germline): Uncertain significance (1 of 4 stars; one submission).

Submission:

Ambry Genetics
Classification: Uncertain significance. Last evaluated: 2024-12-19. Review status: criteria provided, single submitter. Criteria: Ambry Variant Classification Scheme 2023. Collection method: clinical testing. Allele origin: germline.
Comment: The p.L82F variant (also known as c.246G>C), located in coding exon 1 of the MC1R gene, results from a G to C substitution at nucleotide position 246. The leucine at codon 82 is replaced by phenylalanine, an amino acid with highly similar properties. This amino acid position is conserved. In addition, this alteration is predicted to be tolerated by in silico analysis. Based on the available evidence, the clinical significance of this variant remains unclear.